The following is an entry in ClinVar:

ClinVar aggregate classification (germline): Conflicting classifications of pathogenicity. Review status: criteria provided, conflicting classifications (1 of 4 stars). 3 submissions from 3 submitters: Uncertain significance (2); Benign (1). Last evaluated 2026-07-29.

Conditions:
FLNA-related disorder.
Heterotopia, periventricular, X-linked dominant (PVNH1). Also called: X-linked periventricular heterotopia; PERIVENTRICULAR NODULAR HETEROTOPIA 4; HETEROTOPIA, PERIVENTRICULAR, 1; PERIVENTRICULAR NODULAR HETEROTOPIA 1. Identifiers: Orphanet 2149, Orphanet 82004, MedGen C1848213, MONDO:0010233, OMIM 300049.
Oto-palato-digital syndrome, type II (OPD2). Also called: Otopalatodigital Syndrome Type 2 (FLNA-OPD2); Otopalatodigital Syndrome, Type II; FACIOPALATOOSSEOUS SYNDROME; OPD II SYNDROME. Identifiers: Orphanet 669, Orphanet 90652, MedGen C1844696, MONDO:0010571, OMIM 304120.
Frontometaphyseal dysplasia (FMD1). Identifiers: Orphanet 1826, MedGen C0265293, MONDO:0015942.
Melnick-Needles syndrome (MNS). Also called: Melnick-Needles Syndrome (FLNA-MNS); MELNICK-NEEDLES OSTEODYSPLASTY; OSTEODYSPLASTY OF MELNICK AND NEEDLES. Identifiers: Orphanet 2484, MedGen C0025237, MONDO:0010650, OMIM 309350.
FG syndrome 2 (FGS2). Identifiers: MedGen C1845902, MONDO:0010297, OMIM 300321.

Allele frequency attached by ClinVar (database versions not stated): gnomAD exomes 0.00002 and 0.00003; ExAC 0.00005; ESP Exome Variant Server 0.00010; gnomAD 0.00014 and 0.00016; TOPMed 0.00015.
gnomAD v4.1: 34 of 1,209,148 alleles (0.0028%); highest among the groups gnomAD compares: African/African-American, 0.052%; 1 homozygote.

Submissions (3):

PreventionGenetics, part of Exact Sciences
Classification: Uncertain significance for FLNA-related condition. Last evaluated: 2026-07-29. Review status: criteria provided, single submitter. Criteria: ACMG Guidelines, 2015. Collection method: clinical testing. Allele origin: germline.
Comment: The FLNA c.3260G>A variant is predicted to result in the amino acid substitution p.Arg1087His. To our knowledge, this variant has not been reported in the literature. This variant is reported in 0.039% of alleles in individuals of African descent in gnomAD. Although we suspect that this variant may be benign, at this time, the clinical significance of this variant is uncertain due to the absence of conclusive functional and genetic evidence.

Labcorp Genetics (formerly Invitae), Labcorp
Classification: Benign for Oto-palato-digital syndrome, type II; Heterotopia, periventricular, X-linked dominant; Frontometaphyseal dysplasia; Melnick-Needles syndrome. Last evaluated: 2026-01-28. Review status: criteria provided, single submitter. Criteria: Invitae Variant Classification Sherloc (09022015). Collection method: clinical testing. Allele origin: germline.

Baylor Genetics
Classification: Uncertain significance for FG syndrome 2. Last evaluated: 2019-07-23. Review status: criteria provided, single submitter. Criteria: ACMG Guidelines, 2015. Collection method: clinical testing. Allele origin: unknown. Affected: yes.
Comment: This variant was determined to be of uncertain significance according to ACMG Guidelines, 2015 [PMID:25741868].

NM_001110556.2(FLNA):c.3260G>A (p.Arg1087His)

Gene: FLNA (filamin A; minus strand). Cytogenetic location: Xq28.
Variant type: single nucleotide variant.
Coding change: c.3260G>A on transcript NM_001110556.2 (MANE Select); coding-DNA position 3260, G replaced by A.
Protein change: p.Arg1087His; replaces arginine 1087 with histidine.
Molecular consequence: missense variant.
Genome position (GRCh38, 1-based): chrX:154,360,535, C>T on the plus strand (G>A on the coding strand, the complement: FLNA is on the minus strand). VCF-style: chrX-154360535-C-T. GRCh37 (hg19) VCF-style: chrX-153588903-C-T.
Other names: c.3260G>A (NM_001110556.1); c.3260G>A, p.Arg1087His (NM_001456.4); short protein forms R1087H.
Identifiers: ClinVar variation 533573 (VCV000533573.11), dbSNP rs369668866, ClinGen allele CA10560737.
Genomic context (GRCh38, chrX:154,360,535, plus strand): 5'-GGGCCCTCCACCGTCAGGCCCAGGCCACCTGTGCCGGCGCCCTTGGTGTCGATGGTGAAG[C>T]GGGCGGGGGAGCCCGCACTGCCTCCCTGCAGCCCCGGCCCAAACGCCTTCACCTGAGGGA-3'
Protein context (NP_001104026.1, residues 1077-1097): LQGGSAGSPA[Arg1087His]FTIDTKGAGT